The following is an entry in ClinVar:

ClinVar aggregate classification (germline): Uncertain significance. Review status: criteria provided, multiple submitters, no conflicts (2 of 4 stars). 2 submissions from 2 submitters: Uncertain significance (2). Last evaluated 2022-08-16.

Conditions:
Ichthyosis linearis circumflexa. Identifiers: MedGen C0265962, MONDO:0043106, HP:0025810.
Netherton syndrome (NETH). Also called: ERYTHRODERMA, ICHTHYOSIFORM, WITH HYPOTRICHOSIS AND HYPER-IgE; COMEL-NETHERTON SYNDROME; NETHERTON DISEASE. Identifiers: Orphanet 634, MedGen C5574950, MONDO:0009735, OMIM 256500.

Allele frequency attached by ClinVar (database versions not stated): gnomAD exomes below 0.00001; ExAC 0.00001; gnomAD 0.00001; TOPMed 0.00003.
gnomAD v4.1: 7 of 1,613,504 alleles (0.00043%); highest among the groups gnomAD compares: Non-Finnish European, 0.00051%; no homozygotes.

Submissions (2):

Labcorp Genetics (formerly Invitae), Labcorp
Classification: Uncertain significance for Ichthyosis linearis circumflexa. Last evaluated: 2022-08-16. Review status: criteria provided, single submitter. Criteria: Invitae Variant Classification Sherloc (09022015). Collection method: clinical testing. Allele origin: germline.
Comment: In summary, the available evidence is currently insufficient to determine the role of this variant in disease. Therefore, it has been classified as a Variant of Uncertain Significance. Algorithms developed to predict the effect of missense changes on protein structure and function are either unavailable or do not agree on the potential impact of this missense change (SIFT: "Deleterious"; PolyPhen-2: "Possibly Damaging"; Align-GVGD: "Class C0"). ClinVar contains an entry for this variant (Variation ID: 1213696). This variant has not been reported in the literature in individuals affected with SPINK5-related conditions. This variant is present in population databases (rs762735202, gnomAD 0.002%). This sequence change replaces methionine, which is neutral and non-polar, with threonine, which is neutral and polar, at codon 472 of the SPINK5 protein (p.Met472Thr).

New York Genome Center
Classification: Uncertain significance for Netherton syndrome. Last evaluated: 2020-07-17. Review status: criteria provided, single submitter. Criteria: NYGC Assertion Criteria 2020. Collection method: clinical testing. Allele origin: germline. Observed: 1 heterozygote. Study: CSER-NYCKidSeq.

NM_006846.4(SPINK5):c.1415T>C (p.Met472Thr)

Gene: SPINK5 (serine peptidase inhibitor Kazal type 5; plus strand). Cytogenetic location: 5q32.
Variant type: single nucleotide variant.
Coding change: c.1415T>C on transcript NM_006846.4 (MANE Select); coding-DNA position 1415, T replaced by C.
Protein change: p.Met472Thr; replaces methionine 472 with threonine.
Molecular consequence: missense variant.
Genome position (GRCh38, 1-based): chr5:148,101,893, T>C. VCF-style: chr5-148101893-T-C. GRCh37 (hg19) VCF-style: chr5-147481456-T-C.
Other names: c.1415T>C, p.Met472Thr (NM_001127698.2, NM_001127699.2); short protein forms M472T.
Identifiers: ClinVar variation 1213696 (VCV001213696.7), dbSNP rs762735202, ClinGen allele CA3495584.
Genomic context (GRCh38, chr5:148,101,893, plus strand): 5'-CCAGAGAGAATGACCCCATCCAGGGCCCAGATGGAAAAATGCATGGCAACACCTGCTCCA[T>C]GTGTGAGGCCTTCTTGTGAGTAGAGCAGTAGCCCCATAGCGTCTGAGGATTGAGCAGTGG-3'
Protein context (NP_006837.2, residues 462-482): DGKMHGNTCS[Met472Thr]CEAFFQQEER